The following is an entry in ClinVar:

NM_005562.3(LAMC2):c.1843C>T (p.Gln615Ter)

Gene: LAMC2 (laminin subunit gamma 2; plus strand). Cytogenetic location: 1q25.3.
Variant type: single nucleotide variant.
Coding change: c.1843C>T on transcript NM_005562.3 (MANE Select); coding-DNA position 1843, C replaced by T.
Protein change: p.Gln615Ter; replaces glutamine 615 with a stop codon.
Molecular consequence: nonsense.
Genome position (GRCh38, 1-based): chr1:183,231,089, C>T. VCF-style: chr1-183231089-C-T. GRCh37 (hg19) VCF-style: chr1-183200224-C-T.
Other names: c.1843C>T, p.Gln615Ter (NM_018891.3); short protein forms Q615*.
Identifiers: ClinVar variation 2005593 (VCV002005593.5), dbSNP rs2526082974, ClinGen allele CA343691113.

ClinVar aggregate classification (germline): Pathogenic. Review status: criteria provided, multiple submitters, no conflicts (2 of 4 stars). 2 submissions from 2 submitters: Pathogenic (2). Last evaluated 2024-05-08.

Conditions:
Junctional epidermolysis bullosa. Identifiers: Orphanet 305, MedGen C0079301, MONDO:0017612.

Submissions (2):

Myriad Genetics, Inc.
Classification: Pathogenic for Junctional epidermolysis bullosa. Last evaluated: 2024-05-08. Review status: criteria provided, single submitter. Criteria: Myriad Autosomal Dominant, Autosomal Recessive and X-Linked Classification Criteria (2023). Collection method: clinical testing. Allele origin: unknown.
Comment: NM_005562.2(LAMC2):c.1843C>T(Q615*) is expected to be pathogenic in the context of junctional epidermolysis bullosa, LAMC2-related. This variant is predicted to lead to an abnormal or absent protein product due to the creation of a premature termination codon in LAMC2, a gene where loss-of-function variants are known to be pathogenic. Please note: this variant was assessed in the context of healthy population screening.

Labcorp Genetics (formerly Invitae), Labcorp
Classification: Pathogenic. Last evaluated: 2022-06-13. Review status: criteria provided, single submitter. Criteria: Invitae Variant Classification Sherloc (09022015). Collection method: clinical testing. Allele origin: germline.
Comment: For these reasons, this variant has been classified as Pathogenic. This variant has not been reported in the literature in individuals affected with LAMC2-related conditions. This variant is not present in population databases (gnomAD no frequency). This sequence change creates a premature translational stop signal (p.Gln615*) in the LAMC2 gene. It is expected to result in an absent or disrupted protein product. Loss-of-function variants in LAMC2 are known to be pathogenic (PMID: 11907499, 16473856).

Literature cited by the submitters: PubMed 11907499 (cited by Labcorp Genetics (formerly Invitae), Labcorp); PubMed 16473856 (cited by Labcorp Genetics (formerly Invitae), Labcorp).